The following is an entry in ClinVar:

ClinVar aggregate classification (germline): Pathogenic. Review status: reviewed by expert panel (3 of 4 stars). 3 submissions from 3 submitters: Pathogenic (1). 2 of the submissions do not count toward it. Last evaluated 2016-09-08.

Conditions:
Breast-ovarian cancer, familial, susceptibility to, 1 (BROVCA1). Also called: OVARIAN CANCER, SUSCEPTIBILITY TO; BRCA1 Hereditary Breast and Ovarian Cancer. Identifiers: Orphanet 145, MedGen C2676676, MONDO:0011450, OMIM 604370. Disease mechanism: loss of function.

Submissions (3):

Evidence-based Network for the Interpretation of Germline Mutant Alleles (ENIGMA)
Classification: Pathogenic for Breast-ovarian cancer, familial, susceptibility to, 1. Last evaluated: 2016-09-08. Review status: reviewed by expert panel. Criteria: ENIGMA BRCA1/2 Classification Criteria (2015). Collection method: curation. Allele origin: germline.
Comment: Variant allele predicted to encode a truncated non-functional protein.

Consortium of Investigators of Modifiers of BRCA1/2 (CIMBA), c/o University of Cambridge
Classification: Pathogenic for Breast-ovarian cancer, familial, susceptibility to, 1. Last evaluated: 2015-10-02. Review status: criteria provided, single submitter. Criteria: CIMBA Mutation Classification guidelines May 2016. Collection method: clinical testing. Allele origin: germline. Not counted in ClinVar's aggregate classification.

Breast Cancer Information Core (BIC) (BRCA1)
Classification: Pathogenic for Breast-ovarian cancer, familial 1. Last evaluated: 2005-05-17. Review status: no assertion criteria provided. Collection method: clinical testing. Allele origin: germline. Affected: yes. Observed: 1 variant allele. Not counted in ClinVar's aggregate classification.

NM_007294.4(BRCA1):c.3343del (p.Glu1115fs)

Genes: BRCA1 (BRCA1 DNA repair associated; minus strand), LOC126862571 (BRD4-independent group 4 enhancer GRCh37_chr17:41243136-41244335; plus strand). Cytogenetic location: 17q21.31.
Variant type: Deletion.
Coding change: c.3343del on transcript NM_007294.4 (MANE Select); coding-DNA position 3343, one base deleted (G; older notation c.3343delG).
Protein change: p.Glu1115fs; shifts the reading frame from glutamic acid 1115.
Molecular consequence: frameshift variant. On other transcripts: intron variant (137).
Genome position (GRCh38, 1-based): chr17:43,092,188, C deleted on the plus strand (G on the coding strand, the reverse complement: BRCA1 is on the minus strand). VCF-style (leftmost placement, unchanged base first): chr17-43092187-TC-T. GRCh37 (hg19) VCF-style: chr17-41244204-TC-T.
Other names: 3462delG; c.3130del, p.Glu1044fs (NM_001407571.1, NM_001407853.1, NM_001407894.1 and 9 more transcripts); c.3343del, p.Glu1115fs (NM_001407581.1, NM_001407582.1, NM_001407583.1 and 30 more transcripts); c.3340del, p.Glu1114fs (NM_001407587.1, NM_001407590.1, NM_001407591.1 and 22 more transcripts); c.3334del, p.Glu1112fs (NM_001407646.1, NM_001407647.1); c.3220del, p.Glu1074fs (NM_001407648.1, NM_001407664.1, NM_001407665.1 and 19 more transcripts); c.3217del, p.Glu1073fs (NM_001407649.1, NM_001407670.1, NM_001407671.1 and 11 more transcripts); c.3265del, p.Glu1089fs (NM_001407653.1, NM_001407654.1, NM_001407655.1 and 4 more transcripts); and 42 more; short protein forms E1068fs, E1115fs, E1026fs, E1027fs, E1047fs, E1088fs, E1089fs, E947fs.
Identifiers: ClinVar variation 54851 (VCV000054851.5), dbSNP rs273899705, ClinGen allele CA002165.